The following is an entry in ClinVar:

ClinVar aggregate classification (germline): Likely benign (0 of 4 stars; one submission).

Conditions:
SEMA3F-related disorder. Also called: SEMA3F-related condition.

gnomAD v4.1: 5 of 1,613,734 alleles (0.00031%); highest among the groups gnomAD compares: African/African-American, 0.0013%; no homozygotes.

Submission:

PreventionGenetics, part of Exact Sciences
Classification: Likely benign for SEMA3F-related condition. Last evaluated: 2022-01-27. Review status: no assertion criteria provided. Collection method: clinical testing. Allele origin: germline.
Comment: This variant is classified as likely benign based on ACMG/AMP sequence variant interpretation guidelines (Richards et al. 2015 PMID: 25741868, with internal and published modifications).

NM_004186.5(SEMA3F):c.1089-10A>T

Gene: SEMA3F (semaphorin 3F; plus strand). Cytogenetic location: 3p21.31.
Variant type: single nucleotide variant.
Coding change: c.1089-10A>T on transcript NM_004186.5 (MANE Select); 10 bases into the intron before coding-DNA position 1089, A replaced by T.
Molecular consequence: intron variant.
Genome position (GRCh38, 1-based): chr3:50,183,410, A>T. VCF-style: chr3-50183410-A-T. GRCh37 (hg19) VCF-style: chr3-50220843-A-T.
Other names: c.792-10A>T (NM_001318798.2); c.996-10A>T (NM_001318800.2).
Identifiers: ClinVar variation 3354952 (VCV003354952.1).